The following is an entry in ClinVar:

ClinVar aggregate classification (germline): Uncertain significance (1 of 4 stars; one submission).

Conditions:
Intellectual disability-severe speech delay-mild dysmorphism syndrome (IDDLA). Also called: Mental retardation with language impairment and autistic features; FOXP1 Syndrome; Intellectual developmental disorder with language impairment AND with or without autistic features. Identifiers: Orphanet 391372, MedGen C4013764, MONDO:0013352, OMIM 613670.

Submission:

Juno Genomics, Hangzhou Juno Genomics, Inc
Classification: Uncertain significance for Intellectual disability-severe speech delay-mild dysmorphism syndrome. Review status: criteria provided, single submitter. Criteria: ACMG Guidelines, 2015. Collection method: clinical testing. Allele origin: germline.
Comment: Absent from controls (or at extremely low frequency if recessive) in Genome Aggregation Database.;Multiple lines of computational evidence support a deleterious effect on the gene or gene product.;Missense variant in a gene that has a low rate of benign missense variation.

NM_001349338.3(FOXP1):c.1612G>A (p.Glu538Lys)

Gene: FOXP1 (forkhead box P1; minus strand). Cytogenetic location: 3p13.
Variant type: single nucleotide variant.
Coding change: c.1612G>A on transcript NM_001349338.3 (MANE Select); coding-DNA position 1612, G replaced by A.
Protein change: p.Glu538Lys; replaces glutamic acid 538 with lysine.
Molecular consequence: missense variant. On other transcripts: non-coding transcript variant (2), intron variant (1).
Genome position (GRCh38, 1-based): chr3:70,972,595, C>T on the plus strand (G>A on the coding strand, the complement: FOXP1 is on the minus strand). VCF-style: chr3-70972595-C-T. GRCh37 (hg19) VCF-style: chr3-71021746-C-T.
Other names: c.1612G>A, p.Glu538Lys (NM_001349340.3, NM_032682.6, NM_001244814.3 and 1 more transcripts); c.1609G>A, p.Glu537Lys (NM_001349341.3, NM_001244808.3); c.1312G>A, p.Glu438Lys (NM_001349342.3, NM_001244813.3, NM_001244815.2); c.1309G>A, p.Glu437Lys (NM_001349343.3, NM_001349344.3, NM_001370548.1 and 1 more transcripts); c.1531-415G>A (NM_001244810.2); c.1384G>A, p.Glu462Lys (NM_001244812.3); short protein forms E437K, E438K, E462K, E537K, E538K.
Identifiers: ClinVar variation 5019819 (VCV005019819.2).
Genomic context (GRCh38, chr3:70,972,595, plus strand): 5'-TTCAAACATGGTGGACGTACCCACTGATCTTTTGTGGCCTTCGTTTTTGGAATTCTACTT[C>T]ATCCACTGTCCATACTGCCCCTTTAACGTTTTCTACTCGCACAAAACACTTGTGAAGACT-3'
Protein context (NP_001336267.1, residues 528-548): NVKGAVWTVD[Glu538Lys]VEFQKRRPQK